The following is an entry in ClinVar:

ClinVar aggregate classification (germline): Uncertain significance (1 of 4 stars; one submission).

Conditions:
Cardiovascular phenotype. Identifiers: MedGen CN230736.

gnomAD v4.1: 2 of 1,606,188 alleles (0.00012%); highest among the groups gnomAD compares: East Asian, 0.0022%; no homozygotes.

Submission:

Ambry Genetics
Classification: Uncertain significance for Cardiovascular phenotype. Last evaluated: 2025-01-01. Review status: criteria provided, single submitter. Criteria: Ambry Variant Classification Scheme 2023. Collection method: clinical testing. Allele origin: germline.
Comment: The p.V385I variant (also known as c.1153G>A), located in coding exon 10 of the PTPN11 gene, results from a G to A substitution at nucleotide position 1153. The valine at codon 385 is replaced by isoleucine, an amino acid with highly similar properties. This amino acid position is conserved. In addition, the in silico prediction for this alteration is inconclusive. Based on the available evidence, the clinical significance of this variant remains unclear.

NM_002834.5(PTPN11):c.1153G>A (p.Val385Ile)

Gene: PTPN11 (protein tyrosine phosphatase non-receptor type 11; plus strand). Cytogenetic location: 12q24.13.
Variant type: single nucleotide variant.
Coding change: c.1153G>A on transcript NM_002834.5 (MANE Select); coding-DNA position 1153, G replaced by A.
Protein change: p.Val385Ile; replaces valine 385 with isoleucine.
Molecular consequence: missense variant.
Genome position (GRCh38, 1-based): chr12:112,482,134, G>A. VCF-style: chr12-112482134-G-A. GRCh37 (hg19) VCF-style: chr12-112919938-G-A.
Other names: c.1153G>A, p.Val385Ile (NM_001330437.2, NM_080601.3); c.1150G>A, p.Val384Ile (NM_001374625.1); short protein forms V385I, V384I.
Identifiers: ClinVar variation 3784952 (VCV003784952.1).